The following is an entry in ClinVar:

NC_000018.9:g.(?_77156225)_(77171521_?)del

Gene: NFATC1 (nuclear factor of activated T cells 1; plus strand). Cytogenetic location: 18q23.
Variant type: Deletion.
Identifiers: ClinVar variation 3242799 (VCV003242799.1).

ClinVar aggregate classification (germline): Uncertain significance (1 of 4 stars; one submission).

Submission:

Labcorp Genetics (formerly Invitae), Labcorp
Classification: Uncertain significance. Last evaluated: 2023-04-06. Review status: criteria provided, single submitter. Criteria: Invitae Variant Classification Sherloc (09022015). Collection method: clinical testing. Allele origin: unknown.
Comment: In summary, the available evidence is currently insufficient to determine the role of this variant in disease. Therefore, it has been classified as a Variant of Uncertain Significance. This variant has not been reported in the literature in individuals affected with NFATC1-related conditions. This variant is a gross deletion of the genomic region encompassing exon(s) 1-2 of the NFATC1 gene, which includes the initiator codon. This deletion extends beyond the assayed region for this gene and therefore may encompass additional genes. It is expected to result in an absent or disrupted protein product. However, the current clinical and genetic evidence is not sufficient to establish whether loss-of-function variants in NFATC1 cause disease.